The following is an entry in ClinVar:

NM_138576.4(BCL11B):c.1271C>A (p.Ala424Asp)

Gene: BCL11B (BCL11 transcription factor B; minus strand). Cytogenetic location: 14q32.2.
Variant type: single nucleotide variant.
Coding change: c.1271C>A on transcript NM_138576.4 (MANE Select); coding-DNA position 1271, C replaced by A.
Protein change: p.Ala424Asp; replaces alanine 424 with aspartic acid.
Molecular consequence: missense variant.
Genome position (GRCh38, 1-based): chr14:99,175,565, G>T on the plus strand (C>A on the coding strand, the complement: BCL11B is on the minus strand). VCF-style: chr14-99175565-G-T. GRCh37 (hg19) VCF-style: chr14-99641902-G-T.
Other names: c.1268C>A, p.Ala423Asp (NM_001282237.2); c.1055C>A, p.Ala352Asp (NM_001282238.2); c.1058C>A, p.Ala353Asp (NM_022898.3); c.1271C>A (NM_138576.2); short protein forms A352D, A424D, A423D, A353D.
Identifiers: ClinVar variation 2986009 (VCV002986009.4), dbSNP rs758437652, ClinGen allele CA7339691.
Genomic context (GRCh38, chr14:99,175,565, plus strand): 5'-ACGATGAGATTGCTCTGGAACTTGAAGGTCTTGCCGCAGAACTCGCACGACTTGCTCTTG[G>T]CTGGCGGCTGCGGGGGCGGCGTGCCGCCAGGGGGCATGGGCGGCAGCGGCGGCGTGCTCA-3'
Protein context (NP_612808.1, residues 414-434): PGGTPPPQPP[Ala424Asp]KSKSCEFCGK

ClinVar aggregate classification (germline): Uncertain significance. Review status: criteria provided, multiple submitters, no conflicts (2 of 4 stars). 2 submissions from 2 submitters: Uncertain significance (2). Last evaluated 2025-07-01.

Conditions:
Inborn genetic diseases. Identifiers: MedGen C0950123, MeSH D030342.

Allele frequency attached by ClinVar (database versions not stated): gnomAD 0.00001; ExAC 0.00002; gnomAD exomes below 0.00001; TOPMed below 0.00001.
gnomAD v4.1: 6 of 1,592,966 alleles (0.00038%); highest among the groups gnomAD compares: Admixed American, 0.0017%; no homozygotes.

Submissions (2):

Labcorp Genetics (formerly Invitae), Labcorp
Classification: Uncertain significance. Last evaluated: 2025-07-01. Review status: criteria provided, single submitter. Criteria: Invitae Variant Classification Sherloc (09022015). Collection method: clinical testing. Allele origin: germline.
Comment: This sequence change replaces alanine, which is neutral and non-polar, with aspartic acid, which is acidic and polar, at codon 424 of the BCL11B protein (p.Ala424Asp). The frequency data for this variant in the population databases is considered unreliable, as metrics indicate poor data quality at this position in the gnomAD database. This variant has not been reported in the literature in individuals affected with BCL11B-related conditions. ClinVar contains an entry for this variant (Variation ID: 2986009). Invitae Evidence Modeling of protein sequence and biophysical properties (such as structural, functional, and spatial information, amino acid conservation, physicochemical variation, residue mobility, and thermodynamic stability) indicates that this missense variant is not expected to disrupt BCL11B protein function with a negative predictive value of 95%. In summary, the available evidence is currently insufficient to determine the role of this variant in disease. Therefore, it has been classified as a Variant of Uncertain Significance.

Ambry Genetics
Classification: Uncertain significance for Inborn genetic diseases. Last evaluated: 2024-12-09. Review status: criteria provided, single submitter. Criteria: Ambry Variant Classification Scheme 2023. Collection method: clinical testing. Allele origin: germline.